The following is an entry in ClinVar:

ClinVar aggregate classification (germline): Uncertain significance (1 of 4 stars; one submission).

Allele frequency attached by ClinVar (database versions not stated): gnomAD exomes 0.00001; TOPMed 0.00001; gnomAD 0.00002.
gnomAD v4.1: 14 of 1,609,610 alleles (0.00087%); highest among the groups gnomAD compares: African/African-American, 0.004%; no homozygotes.

Submission:

Women's Health and Genetics/Laboratory Corporation of America, LabCorp
Classification: Uncertain significance. Last evaluated: 2024-04-09. Review status: criteria provided, single submitter. Criteria: LabCorp Variant Classification Summary - May 2015. Collection method: clinical testing. Allele origin: germline.
Comment: Variant summary: MAST3 c.2594G>A (p.Arg865His) results in a non-conservative amino acid change in the encoded protein sequence. Three of five in-silico tools predict a benign effect of the variant on protein function. The variant allele was found at a frequency of 4.1e-06 in 243406 control chromosomes (gnomAD). The available data on variant occurrences in the general population are insufficient to allow any conclusion about variant significance. To our knowledge, no occurrence of c.2594G>A in individuals affected with Developmental And Epileptic Encephalopathy 108 and no experimental evidence demonstrating its impact on protein function have been reported. No submitters have cited clinical-significance assessments for this variant to ClinVar. Based on the evidence outlined above, the variant was classified as uncertain significance.

NM_001393504.1(MAST3):c.2681G>A (p.Arg894His)

Gene: MAST3 (microtubule associated serine/threonine kinase 3; plus strand). Cytogenetic location: 19p13.11.
Variant type: single nucleotide variant.
Coding change: c.2681G>A on transcript NM_001393504.1 (MANE Select); coding-DNA position 2681, G replaced by A.
Protein change: p.Arg894His; replaces arginine 894 with histidine.
Molecular consequence: missense variant.
Genome position (GRCh38, 1-based): chr19:18,144,562, G>A. VCF-style: chr19-18144562-G-A. GRCh37 (hg19) VCF-style: chr19-18255372-G-A.
Other names: c.2705G>A, p.Arg902His (NM_001393501.1); c.2684G>A, p.Arg895His (NM_001393502.1); c.2681G>A, p.Arg894His (NM_001393503.1); c.2678G>A, p.Arg893His (NM_001393505.1); c.2633G>A, p.Arg878His (NM_001393506.1, NM_001393513.1); c.2660G>A, p.Arg887His (NM_001393507.1); c.2615G>A, p.Arg872His (NM_001393508.1, NM_001393516.1); c.2612G>A, p.Arg871His (NM_001393509.1, NM_001393510.1, NM_001393512.1 and 2 more transcripts); and 4 more; short protein forms R856H, R864H, R865H, R870H, R871H, R872H, R878H, R887H.
Identifiers: ClinVar variation 3251413 (VCV003251413.1), dbSNP rs1338300434.